The following is an entry in ClinVar:

ClinVar aggregate classification (germline): Uncertain significance. Review status: criteria provided, multiple submitters, no conflicts (2 of 4 stars). 2 submissions from 2 submitters: Uncertain significance (2). Last evaluated 2022-10-13.

Allele frequency attached by ClinVar (database versions not stated): gnomAD exomes below 0.00001 and 0.00001; ExAC 0.00001; TOPMed 0.00001; gnomAD 0.00003.

Submissions (2):

Labcorp Genetics (formerly Invitae), Labcorp
Classification: Uncertain significance. Last evaluated: 2022-10-13. Review status: criteria provided, single submitter. Criteria: Invitae Variant Classification Sherloc (09022015). Collection method: clinical testing. Allele origin: germline.
Comment: This sequence change replaces threonine, which is neutral and polar, with methionine, which is neutral and non-polar, at codon 330 of the TULP1 protein (p.Thr330Met). This variant is present in population databases (rs758251138, gnomAD 0.002%). This variant has not been reported in the literature in individuals affected with TULP1-related conditions. ClinVar contains an entry for this variant (Variation ID: 860338). Advanced modeling of protein sequence and biophysical properties (such as structural, functional, and spatial information, amino acid conservation, physicochemical variation, residue mobility, and thermodynamic stability) performed at Invitae indicates that this missense variant is not expected to disrupt TULP1 protein function. In summary, the available evidence is currently insufficient to determine the role of this variant in disease. Therefore, it has been classified as a Variant of Uncertain Significance.

Blueprint Genetics
Classification: Uncertain significance. Last evaluated: 2022-08-03. Review status: criteria provided, single submitter. Criteria: ACMG Guidelines, 2015. Collection method: clinical testing. Allele origin: germline.

NM_003322.6(TULP1):c.989C>T (p.Thr330Met)

Gene: TULP1 (TUB like protein 1; minus strand). Cytogenetic location: 6p21.31.
Variant type: single nucleotide variant.
Coding change: c.989C>T on transcript NM_003322.6 (MANE Select); coding-DNA position 989, C replaced by T.
Protein change: p.Thr330Met; replaces threonine 330 with methionine.
Molecular consequence: missense variant.
Genome position (GRCh38, 1-based): chr6:35,506,013, G>A on the plus strand (C>T on the coding strand, the complement: TULP1 is on the minus strand). VCF-style: chr6-35506013-G-A. GRCh37 (hg19) VCF-style: chr6-35473790-G-A.
Other names: c.830C>T, p.Thr277Met (NM_001289395.2); short protein forms T277M, T330M.
Identifiers: ClinVar variation 860338 (VCV000860338.8), dbSNP rs758251138, ClinGen allele CA3772731.